The following is an entry in ClinVar:

NM_032447.5(FBN3):c.8155C>T (p.Arg2719Trp)

Gene: FBN3 (fibrillin 3; minus strand). Cytogenetic location: 19p13.2.
Variant type: single nucleotide variant.
Coding change: c.8155C>T on transcript NM_032447.5 (MANE Select); coding-DNA position 8155, C replaced by T.
Protein change: p.Arg2719Trp; replaces arginine 2719 with tryptophan.
Molecular consequence: missense variant.
Genome position (GRCh38, 1-based): chr19:8,066,194, G>A on the plus strand (C>T on the coding strand, the complement: FBN3 is on the minus strand). VCF-style: chr19-8066194-G-A. GRCh37 (hg19) VCF-style: chr19-8131078-G-A.
Other names: c.8155C>T, p.Arg2719Trp (NM_001321431.2); short protein forms R2719W.
Identifiers: ClinVar variation 4023475 (VCV004023475.2).

ClinVar aggregate classification (germline): Uncertain significance. Review status: criteria provided, multiple submitters, no conflicts (2 of 4 stars). 2 submissions from 2 submitters: Uncertain significance (2). Last evaluated 2025-11-03.

gnomAD v4.1: 43 of 1,609,752 alleles (0.0027%); highest among the groups gnomAD compares: African/African-American, 0.02%; no homozygotes.

Submissions (2):

Labcorp Genetics (formerly Invitae), Labcorp
Classification: Uncertain significance. Last evaluated: 2025-11-03. Review status: criteria provided, single submitter. Criteria: Invitae Variant Classification Sherloc (09022015). Collection method: clinical testing. Allele origin: germline.
Comment: This sequence change replaces arginine, which is basic and polar, with tryptophan, which is neutral and slightly polar, at codon 2719 of the FBN3 protein (p.Arg2719Trp). This variant is present in population databases (rs150683901, gnomAD 0.02%). This variant has not been reported in the literature in individuals affected with FBN3-related conditions. ClinVar contains an entry for this variant (Variation ID: 4023475). Invitae Evidence Modeling of protein sequence and biophysical properties (such as structural, functional, and spatial information, amino acid conservation, physicochemical variation, residue mobility, and thermodynamic stability) indicates that this missense variant is not expected to disrupt FBN3 protein function with a negative predictive value of 80%. In summary, the available evidence is currently insufficient to determine the role of this variant in disease. Therefore, it has been classified as a Variant of Uncertain Significance.

Ambry Genetics
Classification: Uncertain significance. Last evaluated: 2025-04-18. Review status: criteria provided, single submitter. Criteria: Ambry Variant Classification Scheme 2023. Collection method: clinical testing. Allele origin: germline.